The following is an entry in ClinVar:

NM_005228.5(EGFR):c.3349C>T (p.Pro1117Ser)

Gene: EGFR (epidermal growth factor receptor; plus strand). Cytogenetic location: 7p11.2.
Variant type: single nucleotide variant.
Coding change: c.3349C>T on transcript NM_005228.5 (MANE Select); coding-DNA position 3349, C replaced by T.
Protein change: p.Pro1117Ser; replaces proline 1117 with serine.
Molecular consequence: missense variant.
Genome position (GRCh38, 1-based): chr7:55,205,333, C>T. VCF-style: chr7-55205333-C-T. GRCh37 (hg19) VCF-style: chr7-55273026-C-T.
Other names: c.3214C>T, p.Pro1072Ser (NM_001346899.2); c.3190C>T, p.Pro1064Ser (NM_001346900.2); c.2548C>T, p.Pro850Ser (NM_001346941.2); short protein forms P1064S, P1072S, P850S, P1117S.
Identifiers: ClinVar variation 1371112 (VCV001371112.8), dbSNP rs777435609, ClinGen allele CA367584424.

ClinVar aggregate classification (germline): Uncertain significance (1 of 4 stars; one submission).

Conditions:
EGFR-related lung cancer (EGFR). Identifiers: MedGen CN130014.

gnomAD v4.1: 1 of 1,611,494 alleles (0.000062%); highest among the groups gnomAD compares: African/African-American, 0.0013%; no homozygotes.

Submission:

Labcorp Genetics (formerly Invitae), Labcorp
Classification: Uncertain significance for EGFR-related lung cancer. Last evaluated: 2022-02-25. Review status: criteria provided, single submitter. Criteria: Invitae Variant Classification Sherloc (09022015). Collection method: clinical testing. Allele origin: germline.
Comment: In summary, the available evidence is currently insufficient to determine the role of this variant in disease. Therefore, it has been classified as a Variant of Uncertain Significance. Algorithms developed to predict the effect of missense changes on protein structure and function output the following: SIFT: "Tolerated"; PolyPhen-2: "Benign"; Align-GVGD: "Class C0". The serine amino acid residue is found in multiple mammalian species, which suggests that this missense change does not adversely affect protein function. This variant has not been reported in the literature in individuals affected with EGFR-related conditions. This variant is not present in population databases (gnomAD no frequency). This sequence change replaces proline, which is neutral and non-polar, with serine, which is neutral and polar, at codon 1117 of the EGFR protein (p.Pro1117Ser).